The following is an entry in ClinVar:

ClinVar aggregate classification (germline): Uncertain significance (1 of 4 stars; one submission).

Conditions:
Dilated cardiomyopathy 1DD (CMD1DD). Identifiers: Orphanet 154, MedGen C2750995, MONDO:0013168, OMIM 613172.

Submission:

Labcorp Genetics (formerly Invitae), Labcorp
Classification: Uncertain significance for Dilated cardiomyopathy 1DD. Last evaluated: 2023-02-27. Review status: criteria provided, single submitter. Criteria: Invitae Variant Classification Sherloc (09022015). Collection method: clinical testing. Allele origin: germline.
Comment: In summary, the available evidence is currently insufficient to determine the role of this variant in disease. Therefore, it has been classified as a Variant of Uncertain Significance. Advanced modeling of protein sequence and biophysical properties (such as structural, functional, and spatial information, amino acid conservation, physicochemical variation, residue mobility, and thermodynamic stability) performed at Invitae indicates that this missense variant is not expected to disrupt RBM20 protein function. This variant has not been reported in the literature in individuals affected with RBM20-related conditions. This variant is not present in population databases (gnomAD no frequency). This sequence change replaces tyrosine, which is neutral and polar, with aspartic acid, which is acidic and polar, at codon 1123 of the RBM20 protein (p.Tyr1123Asp).

NM_001134363.3(RBM20):c.3367T>G (p.Tyr1123Asp)

Gene: RBM20 (RNA binding motif protein 20; plus strand). Cytogenetic location: 10q25.2.
Variant type: single nucleotide variant.
Coding change: c.3367T>G on transcript NM_001134363.3 (MANE Select); coding-DNA position 3367, T replaced by G.
Protein change: p.Tyr1123Asp; replaces tyrosine 1123 with aspartic acid.
Molecular consequence: missense variant.
Genome position (GRCh38, 1-based): chr10:110,823,530, T>G. VCF-style: chr10-110823530-T-G. GRCh37 (hg19) VCF-style: chr10-112583288-T-G.
Other names: short protein forms Y1123D.
Identifiers: ClinVar variation 2841246 (VCV002841246.3), dbSNP rs2493499570, ClinGen allele CA378383718.